The following is an entry in ClinVar:

ClinVar aggregate classification (germline): Benign (0 of 4 stars; one submission).

Conditions:
ARHGEF4-related disorder. Also called: ARHGEF4-related condition.

Allele frequency attached by ClinVar (database versions not stated): TOPMed 0.00017; gnomAD 0.00056; gnomAD exomes 0.00078; ExAC 0.00175; 1000 Genomes Project 30x 0.00437; 1000 Genomes Project 0.00479.
gnomAD v4.1: 1,239 of 1,610,932 alleles (0.077%); highest among the groups gnomAD compares: South Asian, 1.2%; 20 homozygotes.

Submission:

PreventionGenetics, part of Exact Sciences
Classification: Benign for ARHGEF4-related condition. Last evaluated: 2019-05-21. Review status: no assertion criteria provided. Collection method: clinical testing. Allele origin: germline.
Comment: This variant is classified as benign based on ACMG/AMP sequence variant interpretation guidelines (Richards et al. 2015 PMID: 25741868, with internal and published modifications).

NM_001367493.1(ARHGEF4):c.5489G>A (p.Arg1830Gln)

Gene: ARHGEF4 (Rho guanine nucleotide exchange factor 4; plus strand). Cytogenetic location: 2q21.1.
Variant type: single nucleotide variant.
Coding change: c.5489G>A on transcript NM_001367493.1 (MANE Select); coding-DNA position 5489, G replaced by A.
Protein change: p.Arg1830Gln; replaces arginine 1830 with glutamine.
Molecular consequence: missense variant.
Genome position (GRCh38, 1-based): chr2:131,046,047, G>A. VCF-style: chr2-131046047-G-A. GRCh37 (hg19) VCF-style: chr2-131803620-G-A.
Other names: c.1976G>A, p.Arg659Gln (NM_001375900.1); c.1820G>A, p.Arg607Gln (NM_001375901.1); c.1778G>A, p.Arg593Gln (NM_001375902.1); c.1721G>A, p.Arg574Gln (NM_001375903.1); c.1562G>A, p.Arg521Gln (NM_001375904.1); c.1310G>A, p.Arg437Gln (NM_001395416.1); c.1931G>A, p.Arg644Gln (NM_015320.4); short protein forms R1830Q, R437Q, R521Q, R574Q, R593Q, R607Q, R644Q, R659Q.
Identifiers: ClinVar variation 3038443 (VCV003038443.2), dbSNP rs528934869, ClinGen allele CA1875505.